The following is an entry in ClinVar:

ClinVar aggregate classification (germline): Pathogenic (1 of 4 stars; one submission).

Conditions:
Polyglandular autoimmune syndrome, type 1 (APS1). Also called: AUTOIMMUNE POLYENDOCRINE SYNDROME, TYPE I, WITH OR WITHOUT REVERSIBLE METAPHYSEAL DYSPLASIA; APS I; Autoimmune polyendocrine syndrome type 1; PGA I; Whitaker syndrome; HYPOADRENOCORTICISM WITH HYPOPARATHYROIDISM AND SUPERFICIAL MONILIASIS. Identifiers: Orphanet 3453, MedGen C0085859, MONDO:0009411, OMIM 240300.

Submission:

Labcorp Genetics (formerly Invitae), Labcorp
Classification: Pathogenic for Polyglandular autoimmune syndrome, type 1. Last evaluated: 2022-01-11. Review status: criteria provided, single submitter. Criteria: Invitae Variant Classification Sherloc (09022015). Collection method: clinical testing. Allele origin: germline.
Comment: This sequence change affects the initiator methionine of the AIRE mRNA. The next in-frame methionine is located at codon 184. This variant is not present in population databases (gnomAD no frequency). Disruption of the initiator codon has been observed in individual(s) with autosomal recessive autoimmune polyendocrinopathy syndrome (PMID: 16965330, 19758376, 28446514, 28911151). In at least one individual the data is consistent with being in trans (on the opposite chromosome) from a pathogenic variant. Algorithms developed to predict the effect of sequence changes on RNA splicing suggest that this variant may create or strengthen a splice site. For these reasons, this variant has been classified as Pathogenic.

Literature cited by the submitters: PubMed 16965330; PubMed 19758376; PubMed 28446514; PubMed 28911151.

NM_000383.4(AIRE):c.2T>G (p.Met1Arg)

Gene: AIRE (autoimmune regulator; plus strand). Cytogenetic location: 21q22.3.
Variant type: single nucleotide variant.
Coding change: c.2T>G on transcript NM_000383.4 (MANE Select); coding-DNA position 2, T replaced by G.
Protein change: p.Met1Arg; changes the start codon (methionine 1).
Molecular consequence: missense variant, initiator codon variant.
Genome position (GRCh38, 1-based): chr21:44,286,008, T>G. VCF-style: chr21-44286008-T-G. GRCh37 (hg19) VCF-style: chr21-45705891-T-G.
Other names: short protein forms M1R.
Identifiers: ClinVar variation 1451244 (VCV001451244.8), dbSNP rs2146374989, ClinGen allele CA410422912.